The following is an entry in ClinVar:

NM_002317.7(LOX):c.163T>C (p.Phe55Leu)

Genes: LOX (lysyl oxidase; minus strand), SRFBP1 (serum response factor binding protein 1; plus strand). Cytogenetic location: 5q23.1.
Variant type: single nucleotide variant.
Coding change: c.163T>C on transcript NM_002317.7 (MANE Select); coding-DNA position 163, T replaced by C.
Protein change: p.Phe55Leu; replaces phenylalanine 55 with leucine.
Molecular consequence: missense variant.
Genome position (GRCh38, 1-based): chr5:122,077,823, A>G on the plus strand (T>C on the coding strand, the complement: LOX is on the minus strand). VCF-style: chr5-122077823-A-G. GRCh37 (hg19) VCF-style: chr5-121413518-A-G.
Other names: short protein forms F55L.
Identifiers: ClinVar variation 1949830 (VCV001949830.7), dbSNP rs749678357, ClinGen allele CA3384109.

ClinVar aggregate classification (germline): Uncertain significance. Review status: criteria provided, multiple submitters, no conflicts (2 of 4 stars). 3 submissions from 3 submitters: Uncertain significance (3). Last evaluated 2024-04-29.

Allele frequency attached by ClinVar (database versions not stated): gnomAD 0.00001; TOPMed 0.00002.
gnomAD v4.1: 6 of 1,551,704 alleles (0.00039%); highest among the groups gnomAD compares: African/African-American, 0.0028%; no homozygotes.

Submissions (3):

Women's Health and Genetics/Laboratory Corporation of America, LabCorp
Classification: Uncertain significance. Last evaluated: 2024-04-29. Review status: criteria provided, single submitter. Criteria: LabCorp Variant Classification Summary - May 2015. Collection method: clinical testing. Allele origin: germline.

Blueprint Genetics
Classification: Uncertain significance. Last evaluated: 2023-01-11. Review status: criteria provided, single submitter. Criteria: ACMG Guidelines, 2015. Collection method: clinical testing. Allele origin: germline.

Labcorp Genetics (formerly Invitae), Labcorp
Classification: Uncertain significance. Last evaluated: 2022-03-04. Review status: criteria provided, single submitter. Criteria: Invitae Variant Classification Sherloc (09022015). Collection method: clinical testing. Allele origin: germline.
Comment: This sequence change replaces phenylalanine, which is neutral and non-polar, with leucine, which is neutral and non-polar, at codon 55 of the LOX protein (p.Phe55Leu). The frequency data for this variant in the population databases is considered unreliable, as metrics indicate poor data quality at this position in the gnomAD database. This variant has not been reported in the literature in individuals affected with LOX-related conditions. Algorithms developed to predict the effect of missense changes on protein structure and function are either unavailable or do not agree on the potential impact of this missense change (SIFT: "Not Available"; PolyPhen-2: "Benign"; Align-GVGD: "Not Available"). In summary, the available evidence is currently insufficient to determine the role of this variant in disease. Therefore, it has been classified as a Variant of Uncertain Significance.